The following is an entry in ClinVar:

ClinVar aggregate classification (germline): Uncertain significance (1 of 4 stars; one submission).

Allele frequency attached by ClinVar (database versions not stated): ExAC 0.00001; gnomAD 0.00001; gnomAD exomes 0.00001.
gnomAD v4.1: 5 of 1,613,886 alleles (0.00031%); highest among the groups gnomAD compares: Admixed American, 0.0067%; no homozygotes.

Submission:

Labcorp Genetics (formerly Invitae), Labcorp
Classification: Uncertain significance. Last evaluated: 2022-09-27. Review status: criteria provided, single submitter. Criteria: Invitae Variant Classification Sherloc (09022015). Collection method: clinical testing. Allele origin: germline.
Comment: This sequence change replaces alanine, which is neutral and non-polar, with threonine, which is neutral and polar, at codon 807 of the SLC12A6 protein (p.Ala807Thr). This variant is present in population databases (rs769873152, gnomAD 0.01%). This variant has not been reported in the literature in individuals affected with SLC12A6-related conditions. Advanced modeling of protein sequence and biophysical properties (such as structural, functional, and spatial information, amino acid conservation, physicochemical variation, residue mobility, and thermodynamic stability) performed at Invitae indicates that this missense variant is not expected to disrupt SLC12A6 protein function. In summary, the available evidence is currently insufficient to determine the role of this variant in disease. Therefore, it has been classified as a Variant of Uncertain Significance.

NM_001365088.1(SLC12A6):c.2419G>A (p.Ala807Thr)

Gene: SLC12A6 (solute carrier family 12 member 6; minus strand). Cytogenetic location: 15q14.
Variant type: single nucleotide variant.
Coding change: c.2419G>A on transcript NM_001365088.1 (MANE Select); coding-DNA position 2419, G replaced by A.
Protein change: p.Ala807Thr; replaces alanine 807 with threonine.
Molecular consequence: missense variant.
Genome position (GRCh38, 1-based): chr15:34,240,678, C>T on the plus strand (G>A on the coding strand, the complement: SLC12A6 is on the minus strand). VCF-style: chr15-34240678-C-T. GRCh37 (hg19) VCF-style: chr15-34532879-C-T.
Other names: c.2242G>A, p.Ala748Thr (NM_001042494.2, NM_001042495.2); c.2392G>A, p.Ala798Thr (NM_001042496.2); c.2374G>A, p.Ala792Thr (NM_001042497.2); c.2266G>A, p.Ala756Thr (NM_005135.2); c.2419G>A, p.Ala807Thr (NM_133647.2); short protein forms A748T, A756T, A792T, A798T, A807T.
Identifiers: ClinVar variation 1904288 (VCV001904288.5), dbSNP rs769873152, ClinGen allele CA7464092.